The following is an entry in ClinVar:

NM_000081.4(LYST):c.3256G>A (p.Glu1086Lys)

Gene: LYST (lysosomal trafficking regulator; minus strand). Cytogenetic location: 1q42.3.
Variant type: single nucleotide variant.
Coding change: c.3256G>A on transcript NM_000081.4 (MANE Select); coding-DNA position 3256, G replaced by A.
Protein change: p.Glu1086Lys; replaces glutamic acid 1086 with lysine.
Molecular consequence: missense variant.
Genome position (GRCh38, 1-based): chr1:235,805,880, C>T on the plus strand (G>A on the coding strand, the complement: LYST is on the minus strand). VCF-style: chr1-235805880-C-T. GRCh37 (hg19) VCF-style: chr1-235969180-C-T.
Other names: c.3256G>A, p.Glu1086Lys (NM_001301365.1); c.3256G>A (NM_000081.2); short protein forms E1086K.
Identifiers: ClinVar variation 1583370 (VCV001583370.10), dbSNP rs551224676, ClinGen allele CA1467113.

ClinVar aggregate classification (germline): Conflicting classifications of pathogenicity. Review status: criteria provided, conflicting classifications (1 of 4 stars). 3 submissions from 3 submitters: Uncertain significance (1); Likely benign (2). Last evaluated 2025-12-01.

Conditions:
Inborn genetic diseases. Identifiers: MedGen C0950123, MeSH D030342.
Chédiak-Higashi syndrome (CHS). Also called: Chediak-Higashi Syndrome. Identifiers: Orphanet 167, MedGen C0007965, MONDO:0008963, OMIM 214500.

Allele frequency attached by ClinVar (database versions not stated): TOPMed 0.00002; gnomAD 0.00005; ExAC 0.00007.
gnomAD v4.1: 65 of 1,613,554 alleles (0.004%); highest among the groups gnomAD compares: South Asian, 0.021%; 1 homozygote.

Submissions (3):

Labcorp Genetics (formerly Invitae), Labcorp
Classification: Likely benign for Chédiak-Higashi syndrome. Last evaluated: 2025-12-01. Review status: criteria provided, single submitter. Criteria: Invitae Variant Classification Sherloc (09022015). Collection method: clinical testing. Allele origin: germline.

Ambry Genetics
Classification: Likely benign for Inborn genetic diseases. Last evaluated: 2024-08-21. Review status: criteria provided, single submitter. Criteria: Ambry Variant Classification Scheme 2023. Collection method: clinical testing. Allele origin: germline.

Women's Health and Genetics/Laboratory Corporation of America, LabCorp
Classification: Uncertain significance. Last evaluated: 2024-01-18. Review status: criteria provided, single submitter. Criteria: LabCorp Variant Classification Summary - May 2015. Collection method: clinical testing. Allele origin: germline.
Comment: Variant summary: LYST c.3256G>A (p.Glu1086Lys) results in a conservative amino acid change in the encoded protein sequence. Five of five in-silico tools predict a benign effect of the variant on protein function. The variant allele was found at a frequency of 5.2e-05 in 250844 control chromosomes in the gnomAD database, including 1 homozygote. This frequency is not significantly higher than estimated for a pathogenic variant in LYST causing Chediak-Higashi Syndrome (5.2e-05 vs 0.0011), allowing no conclusion about variant significance. To our knowledge, no occurrence of c.3256G>A in individuals affected with Chediak-Higashi Syndrome and no experimental evidence demonstrating its impact on protein function have been reported. ClinVar contains an entry for this variant (Variation ID: 1583370). Based on the evidence outlined above, the variant was classified as uncertain significance.